The following is an entry in ClinVar:

NM_001202.6(BMP4):c.731C>T (p.Thr244Ile)

Gene: BMP4 (bone morphogenetic protein 4; minus strand). Cytogenetic location: 14q22.2.
Variant type: single nucleotide variant.
Coding change: c.731C>T on transcript NM_001202.6 (MANE Select); coding-DNA position 731, C replaced by T.
Protein change: p.Thr244Ile; replaces threonine 244 with isoleucine.
Molecular consequence: missense variant.
Genome position (GRCh38, 1-based): chr14:53,950,528, G>A on the plus strand (C>T on the coding strand, the complement: BMP4 is on the minus strand). VCF-style: chr14-53950528-G-A. GRCh37 (hg19) VCF-style: chr14-54417246-G-A.
Other names: c.872C>T, p.Thr291Ile (NM_001347912.1); c.542C>T, p.Thr181Ile (NM_001347913.2, NM_001347915.2, NM_001347917.1); c.731C>T, p.Thr244Ile (NM_001347914.2, NM_001347916.1, NM_130850.5 and 1 more transcripts); c.731C>T (NM_001202.5); short protein forms T244I, T181I, T291I.
Identifiers: ClinVar variation 2163080 (VCV002163080.5), dbSNP rs567804941, ClinGen allele CA7191686.
Genomic context (GRCh38, chr14:53,950,528, plus strand): 5'-TTCCCACTCCCTTGAGGTAACGATCGGCTAATCCTGACATGCTGGCCCTGGTGGGTCCGA[G>A]TCTGATGGAGGTGAGTCACCTCAATGGCTAGCCCATAGTTTGGCTGCTTCTCCCGGGTCC-3'
Protein context (NP_001193.2, residues 234-254): LAIEVTHLHQ[Thr244Ile]RTHQGQHVRI

ClinVar aggregate classification (germline): Likely benign. Review status: criteria provided, multiple submitters, no conflicts (2 of 4 stars). 2 submissions from 2 submitters: Likely benign (2). Last evaluated 2025-07-28.

Conditions:
BMP4-related disorder. Also called: BMP4-related condition.
Orofacial cleft 11 (OFC11). Also called: CLEFT LIP WITH OR WITHOUT CLEFT PALATE, NONSYNDROMIC, 11; Orofacial cleft 11; ofc11. Identifiers: MedGen C2677434, MONDO:0010906, OMIM 600625.
Microphthalmia with brain and digit anomalies (MCOPS6). Also called: Microphthalmia, syndromic 6; MICROPHTHALMIA AND PITUITARY ANOMALIES. Identifiers: Orphanet 139471, MedGen C1864689, MONDO:0011936, OMIM 607932.

Allele frequency attached by ClinVar (database versions not stated): TOPMed 0.00002; gnomAD 0.00007; 1000 Genomes Project 30x 0.00016; 1000 Genomes Project 0.00020; ExAC 0.00023.

Submissions (2):

PreventionGenetics, part of Exact Sciences
Classification: Likely benign for BMP4-related condition. Last evaluated: 2025-07-28. Review status: criteria provided, single submitter. Criteria: ACMG Guidelines, 2015. Collection method: clinical testing. Allele origin: germline.
Comment: This variant is classified as likely benign based on ACMG/AMP sequence variant interpretation guidelines (Richards et al. 2015 PMID: 25741868, with internal and published modifications).

Labcorp Genetics (formerly Invitae), Labcorp
Classification: Likely benign for Microphthalmia with brain and digit anomalies; Orofacial cleft 11. Last evaluated: 2023-04-02. Review status: criteria provided, single submitter. Criteria: Invitae Variant Classification Sherloc (09022015). Collection method: clinical testing. Allele origin: germline.